The following is an entry in ClinVar:

ClinVar aggregate classification (germline): Uncertain significance (1 of 4 stars; one submission).

Allele frequency attached by ClinVar (database versions not stated): gnomAD exomes below 0.00001.
gnomAD v4.1: 1 of 1,592,026 alleles (0.000063%); highest among the groups gnomAD compares: Non-Finnish European, 0.000086%; no homozygotes.

Submission:

Labcorp Genetics (formerly Invitae), Labcorp
Classification: Uncertain significance. Last evaluated: 2022-08-19. Review status: criteria provided, single submitter. Criteria: Invitae Variant Classification Sherloc (09022015). Collection method: clinical testing. Allele origin: germline.
Comment: This sequence change replaces aspartic acid, which is acidic and polar, with glycine, which is neutral and non-polar, at codon 265 of the NDUFA10 protein (p.Asp265Gly). This variant is not present in population databases (gnomAD no frequency). This variant has not been reported in the literature in individuals affected with NDUFA10-related conditions. Algorithms developed to predict the effect of missense changes on protein structure and function are either unavailable or do not agree on the potential impact of this missense change (SIFT: "Deleterious"; PolyPhen-2: "Probably Damaging"; Align-GVGD: "Class C0"). In summary, the available evidence is currently insufficient to determine the role of this variant in disease. Therefore, it has been classified as a Variant of Uncertain Significance.

NM_004544.4(NDUFA10):c.794A>G (p.Asp265Gly)

Gene: NDUFA10 (NADH:ubiquinone oxidoreductase subunit A10; minus strand). Cytogenetic location: 2q37.3.
Variant type: single nucleotide variant.
Coding change: c.794A>G on transcript NM_004544.4 (MANE Select); coding-DNA position 794, A replaced by G.
Protein change: p.Asp265Gly; replaces aspartic acid 265 with glycine.
Molecular consequence: missense variant. On other transcripts: non-coding transcript variant (4).
Genome position (GRCh38, 1-based): chr2:240,007,326, T>C on the plus strand (A>G on the coding strand, the complement: NDUFA10 is on the minus strand). VCF-style: chr2-240007326-T-C. GRCh37 (hg19) VCF-style: chr2-240946743-T-C.
Other names: c.794A>G, p.Asp265Gly (NM_001322019.2, NM_001322020.2, NM_001410987.1); short protein forms D265G.
Identifiers: ClinVar variation 1909047 (VCV001909047.2), dbSNP rs1696982977, ClinGen allele CA351271732.
Genomic context (GRCh38, chr2:240,007,326, plus strand): 5'-ACATGAATCAAATGTAGGAATAACTTTCAACTTTTCAACCATTTTCTTACCTTTTTTGAA[T>C]CTTGAGCTTCCCTTGCAGAATATTGTAAAACCTCACATTTTTCACTGTAAGAAAAAACAA-3'
Protein context (NP_004535.1, residues 255-275): VLQYSAREAQ[Asp265Gly]SKKVVEDIEY